The following is an entry in ClinVar:

ClinVar aggregate classification (germline): Uncertain significance (1 of 4 stars; one submission).

Submission:

GeneDx
Classification: Uncertain significance. Last evaluated: 2024-07-11. Review status: criteria provided, single submitter. Criteria: GeneDx Variant Classification Process June 2021. Collection method: clinical testing. Allele origin: germline. Affected: yes.
Comment: Not observed at significant frequency in large population cohorts (gnomAD); In-frame insertion of 1 amino acids in a non-repeat region; Has not been previously published as pathogenic or benign to our knowledge

NM_005982.4(SIX1):c.373GAG[3] (p.Glu126_Thr127insGlu)

Gene: SIX1 (SIX homeobox 1; minus strand). Cytogenetic location: 14q23.1.
Variant type: Microsatellite.
Coding change: c.373GAG[3] on transcript NM_005982.4 (MANE Select); three copies in a row of the 3-base unit GAG starting at c.373; the reference has two copies in a row; one copy, 3 bases duplicated.
Protein change: p.Glu126_Thr127insGlu.
Genome position (GRCh38, 1-based): chr14:60,648,812-60,648,814, CTC duplicated on the plus strand (GAG on the coding strand, the reverse complement: SIX1 is on the minus strand); duplicating any 3 consecutive bases within chr14:60,648,812-60,648,817 gives the same sequence; the position shown is the placement nearest the transcript's 3' end. VCF-style (leftmost placement, unchanged base first): chr14-60648811-T-TCTC. GRCh37 (hg19) VCF-style: chr14-61115529-T-TCTC.
Other names: c.373GAG[3], p.Glu126_Thr127insGlu (NM_001425142.1).
Identifiers: ClinVar variation 3572612 (VCV003572612.1).